The following is an entry in ClinVar:

ClinVar aggregate classification (germline): Uncertain significance (1 of 4 stars; one submission).

Allele frequency attached by ClinVar (database versions not stated): TOPMed below 0.00001; gnomAD exomes 0.00001; ExAC 0.00002.
gnomAD v4.1: 11 of 1,602,694 alleles (0.00069%); highest among the groups gnomAD compares: South Asian, 0.01%; no homozygotes.

Submission:

Labcorp Genetics (formerly Invitae), Labcorp
Classification: Uncertain significance. Last evaluated: 2022-01-27. Review status: criteria provided, single submitter. Criteria: Invitae Variant Classification Sherloc (09022015). Collection method: clinical testing. Allele origin: germline.
Comment: This sequence change replaces histidine, which is basic and polar, with arginine, which is basic and polar, at codon 649 of the RTTN protein (p.His649Arg). This variant is present in population databases (rs775197104, gnomAD 0.01%). This variant has not been reported in the literature in individuals affected with RTTN-related conditions. Algorithms developed to predict the effect of missense changes on protein structure and function (SIFT, PolyPhen-2, Align-GVGD) all suggest that this variant is likely to be tolerated. In summary, the available evidence is currently insufficient to determine the role of this variant in disease. Therefore, it has been classified as a Variant of Uncertain Significance.

NM_173630.4(RTTN):c.1946A>G (p.His649Arg)

Gene: RTTN (rotatin; minus strand). Cytogenetic location: 18q22.2.
Variant type: single nucleotide variant.
Coding change: c.1946A>G on transcript NM_173630.4 (MANE Select); coding-DNA position 1946, A replaced by G.
Protein change: p.His649Arg; replaces histidine 649 with arginine.
Molecular consequence: missense variant. On other transcripts: 5 prime UTR variant (1).
Genome position (GRCh38, 1-based): chr18:70,150,717, T>C on the plus strand (A>G on the coding strand, the complement: RTTN is on the minus strand). VCF-style: chr18-70150717-T-C. GRCh37 (hg19) VCF-style: chr18-67817953-T-C.
Other names: c.-702A>G (NM_001318520.2); short protein forms H649R.
Identifiers: ClinVar variation 1904021 (VCV001904021.5), dbSNP rs775197104, ClinGen allele CA8996028.
Genomic context (GRCh38, chr18:70,150,717, plus strand): 5'-TTTGGATGAAGTAGAAAATGAATTCCATTGCAAAGTGAAGACACGGGTTTAGTGACATTA[T>C]GGACACCTAAACATTCCTGTAAAATAATATTAAAAAGTATTTTTAAATTAGCAACACTGA-3'
Protein context (NP_775901.3, residues 639-659): LEITKECLGV[His649Arg]NVTKPVSSLC